The following is an entry in ClinVar:

NM_000551.4(VHL):c.64G>A (p.Glu22Lys)

Gene: VHL (von Hippel-Lindau tumor suppressor; plus strand). Cytogenetic location: 3p25.3.
Variant type: single nucleotide variant.
Coding change: c.64G>A on transcript NM_000551.4 (MANE Select); coding-DNA position 64, G replaced by A.
Protein change: p.Glu22Lys; replaces glutamic acid 22 with lysine.
Molecular consequence: missense variant.
Genome position (GRCh38, 1-based): chr3:10,141,911, G>A. VCF-style: chr3-10141911-G-A. GRCh37 (hg19) VCF-style: chr3-10183595-G-A.
Other names: c.64G>A, p.Glu22Lys (NM_001354723.2, NM_198156.3); short protein forms E22K.
Identifiers: ClinVar variation 1041174 (VCV001041174.9), dbSNP rs1696118115, ClinGen allele CA351747372.
Genomic context (GRCh38, chr3:10,141,911, plus strand): 5'-CCCCGGAGGGCGGAGAACTGGGACGAGGCCGAGGTAGGCGCGGAGGAGGCAGGCGTCGAA[G>A]AGTACGGCCCTGAAGAAGACGGCGGGGAGGAGTCGGGCGCCGAGGAGTCCGGCCCGGAAG-3'
Protein context (NP_000542.1, residues 12-32): EVGAEEAGVE[Glu22Lys]YGPEEDGGEE

ClinVar aggregate classification (germline): Uncertain significance (1 of 4 stars; one submission).

Conditions:
Von Hippel-Lindau syndrome (VHLS). Also called: Von Hippel-Lindau; von Hippel–Lindau syndrome; VHL syndrome. Identifiers: Orphanet 892, MedGen C0019562, MONDO:0008667, OMIM 193300. Disease mechanism: loss of function.
Chuvash polycythemia. Also called: POLYCYTHEMIA, VHL-DEPENDENT. Identifiers: Orphanet 238557, MedGen C1837915, MONDO:0009892, OMIM 263400.

Allele frequency attached by ClinVar (database versions not stated): gnomAD exomes below 0.00001.
gnomAD v4.1: 2 of 1,534,584 alleles (0.00013%); highest among the groups gnomAD compares: South Asian, 0.0024%; no homozygotes.

Submission:

Labcorp Genetics (formerly Invitae), Labcorp
Classification: Uncertain significance for Von Hippel-Lindau syndrome; Chuvash polycythemia. Last evaluated: 2023-09-08. Review status: criteria provided, single submitter. Criteria: Invitae Variant Classification Sherloc (09022015). Collection method: clinical testing. Allele origin: germline.
Comment: In summary, the available evidence is currently insufficient to determine the role of this variant in disease. Therefore, it has been classified as a Variant of Uncertain Significance. Advanced modeling of protein sequence and biophysical properties (such as structural, functional, and spatial information, amino acid conservation, physicochemical variation, residue mobility, and thermodynamic stability) performed at Invitae indicates that this missense variant is not expected to disrupt VHL protein function. ClinVar contains an entry for this variant (Variation ID: 1041174). This variant has not been reported in the literature in individuals affected with VHL-related conditions. This variant is not present in population databases (gnomAD no frequency). This sequence change replaces glutamic acid, which is acidic and polar, with lysine, which is basic and polar, at codon 22 of the VHL protein (p.Glu22Lys).